The following is an entry in ClinVar:

NM_014946.4(SPAST):c.853G>A (p.Ala285Thr)

Gene: SPAST (spastin; plus strand). Cytogenetic location: 2p22.3.
Variant type: single nucleotide variant.
Coding change: c.853G>A on transcript NM_014946.4 (MANE Select); coding-DNA position 853, G replaced by A.
Protein change: p.Ala285Thr; replaces alanine 285 with threonine.
Molecular consequence: missense variant.
Genome position (GRCh38, 1-based): chr2:32,114,808, G>A. VCF-style: chr2-32114808-G-A. GRCh37 (hg19) VCF-style: chr2-32339877-G-A.
Other names: c.757G>A, p.Ala253Thr (NM_001377959.1, NM_199436.2); c.850G>A, p.Ala284Thr (NM_001363823.2); c.754G>A, p.Ala252Thr (NM_001363875.2); short protein forms A253T, A284T, A285T, A252T.
Identifiers: ClinVar variation 2089271 (VCV002089271.5), dbSNP rs2465835651, ClinGen allele CA346498869.

ClinVar aggregate classification (germline): Likely benign (1 of 4 stars; one submission).

Conditions:
Hereditary spastic paraplegia 4. Also called: Spastic paraplegia 4, autosomal dominant; Familial spastic paraplegia autosomal dominant 2; Spastic Paraplegia 4. Identifiers: Orphanet 100985, MedGen C1866855, MONDO:0008438, OMIM 182601.

Allele frequency attached by ClinVar (database versions not stated): gnomAD exomes 0.00001.
gnomAD v4.1: 7 of 1,613,914 alleles (0.00043%); highest among the groups gnomAD compares: Non-Finnish European, 0.00059%; no homozygotes.

Submission:

Labcorp Genetics (formerly Invitae), Labcorp
Classification: Likely benign for Hereditary spastic paraplegia 4. Last evaluated: 2022-08-10. Review status: criteria provided, single submitter. Criteria: Invitae Variant Classification Sherloc (09022015). Collection method: clinical testing. Allele origin: germline.